The following is an entry in ClinVar:

ClinVar aggregate classification (germline): Benign/Likely benign. Review status: criteria provided, multiple submitters, no conflicts (2 of 4 stars). 2 submissions from 2 submitters: Benign (1); Likely benign (1). Last evaluated 2026-01-21.

Allele frequency attached by ClinVar (database versions not stated): gnomAD exomes 0.00179 and 0.00434; ExAC 0.00512; gnomAD 0.01470 and 0.01565; ESP Exome Variant Server 0.01507; 1000 Genomes Project 0.01617; TOPMed 0.01639; 1000 Genomes Project 30x 0.01827.

Submissions (2):

Labcorp Genetics (formerly Invitae), Labcorp
Classification: Benign. Last evaluated: 2026-01-21. Review status: criteria provided, single submitter. Criteria: Invitae Variant Classification Sherloc (09022015). Collection method: clinical testing. Allele origin: germline.

GeneDx
Classification: Likely benign. Last evaluated: 2017-11-10. Review status: criteria provided, single submitter. Criteria: GeneDx Variant Classification (06012015). Collection method: clinical testing. Allele origin: germline. Affected: yes.
Comment: This variant is considered likely benign or benign based on one or more of the following criteria: it is a conservative change, it occurs at a poorly conserved position in the protein, it is predicted to be benign by multiple in silico algorithms, and/or has population frequency not consistent with disease.

NM_001122659.3(EDNRB):c.552= (p.Ser184=)

Genes: EDNRB (endothelin receptor type B; minus strand), EDNRB-AS1 (EDNRB antisense RNA 1; plus strand). Cytogenetic location: 13q22.3.
Variant type: single nucleotide variant.
Coding change: c.552= on transcript NM_001122659.3 (MANE Select); coding-DNA position 552, no change from the reference sequence.
Protein change: p.Ser184=; no amino-acid change (serine 184 retained).
Molecular consequence: no sequence alteration. On other transcripts: synonymous variant (1).
Genome position: GRCh38 VCF-style: chr13-77903539-A-A. GRCh37 (hg19) VCF-style: chr13-78477674-A-A.
Other names: c.552=, p.Ser184= (NM_000115.5, NM_003991.4); c.822T=, p.Ser274= (NM_001201397.2).
Identifiers: ClinVar variation 509127 (VCV000509127.11), dbSNP rs5348.